The following is an entry in ClinVar:

ClinVar aggregate classification (germline): Benign. Review status: criteria provided, multiple submitters, no conflicts (2 of 4 stars). 3 submissions from 3 submitters: Benign (3). Last evaluated 2025-10-02.

Conditions:
Atypical hemolytic-uremic syndrome. Identifiers: Orphanet 2134, MedGen C2931788, MONDO:0016244.

Allele frequency attached by ClinVar (database versions not stated): 1000 Genomes Project 0.29273; 1000 Genomes Project 30x 0.29716; TOPMed 0.35496; gnomAD 0.35681 and 0.36153; gnomAD exomes 0.36350.

Submissions (3):

Genomenon, Inc
Classification: Benign for Atypical hemolytic-uremic syndrome. Last evaluated: 2025-10-02. Review status: criteria provided, single submitter. Criteria: Genomenon Sequence Variant Interpretation Standards. Collection method: curation. Allele origin: germline. Affected: no.
Comment: CD46 c.989-78G>A is an intronic variant in intron 9. This variant has been reported in the published literature (PMID:24038559;30131343;22420623;23475501). This variant is present at high allele frequency in population databases. In conclusion, we classify CD46 c.989-78G>A as a benign variant.

GeneDx
Classification: Benign. Last evaluated: 2018-11-11. Review status: criteria provided, single submitter. Criteria: GeneDx Variant Classification Process June 2021. Collection method: clinical testing. Allele origin: germline. Affected: yes.
Comment: This variant is associated with the following publications: (PMID: 28939980)

Breakthrough Genomics
Classification: Benign. Review status: criteria provided, single submitter. Criteria: ACMG Guidelines, 2015. Collection method: not provided. Allele origin: germline. Inheritance: Autosomal recessive inheritance. Affected: yes.

Literature cited by the submitters: PubMed 30131343 (cited by Genomenon, Inc); PubMed 22420623 (cited by Genomenon, Inc); PubMed 23475501 (cited by Genomenon, Inc).

NM_172351.3(CD46):c.944-78G>A

Gene: CD46 (CD46 molecule; plus strand). Cytogenetic location: 1q32.2.
Variant type: single nucleotide variant.
Coding change: c.944-78G>A on transcript NM_172351.3 (MANE Select); 78 bases into the intron before coding-DNA position 944, G replaced by A.
Molecular consequence: intron variant.
Genome position (GRCh38, 1-based): chr1:207,783,214, G>A. VCF-style: chr1-207783214-G-A. GRCh37 (hg19) VCF-style: chr1-207956559-G-A.
Other names: c.989-78G>A (NM_002389.4, NM_172359.3); c.944-78G>A (NM_153826.4, NM_172358.3); c.902-78G>A (NM_172355.3, NM_172356.3); c.899-78G>A (NM_172352.3, NM_172353.3, NM_172350.3); c.857-78G>A (NM_172357.3, NM_172361.3).
Identifiers: ClinVar variation 1242506 (VCV001242506.4), dbSNP rs1962149, ClinGen allele CA15146167.
Genomic context (GRCh38, chr1:207,783,214, plus strand): 5'-TATAAGGAAAATTATATTTTAAGGGATTTTCTACAAAGGTGAAAAAAAATCACCCTATGA[G>A]TTTAAAGGATTTTAAGCTTTATATTTAATTCTTTCCTTCTTTTATTAATTTAATCTATAT-3'